The following is an entry in ClinVar:

NM_000489.6(ATRX):c.2549C>T (p.Ser850Phe)

Gene: ATRX (ATRX chromatin remodeler; minus strand). Cytogenetic location: Xq21.1.
Variant type: single nucleotide variant.
Coding change: c.2549C>T on transcript NM_000489.6 (MANE Select); coding-DNA position 2549, C replaced by T.
Protein change: p.Ser850Phe; replaces serine 850 with phenylalanine.
Molecular consequence: missense variant.
Genome position (GRCh38, 1-based): chrX:77,682,707, G>A on the plus strand (C>T on the coding strand, the complement: ATRX is on the minus strand). VCF-style: chrX-77682707-G-A. GRCh37 (hg19) VCF-style: chrX-76938199-G-A.
Other names: c.2435C>T, p.Ser812Phe (NM_138270.5); short protein forms S812F, S850F.
Identifiers: ClinVar variation 1925541 (VCV001925541.5), dbSNP rs2071294359, ClinGen allele CA413711810.

ClinVar aggregate classification (germline): Uncertain significance (1 of 4 stars; one submission).

Conditions:
Alpha thalassemia-X-linked intellectual disability syndrome (ATRX). Also called: ATR, NONDELETION TYPE; ATR-X syndrome; Alpha thalassemia mental retardation syndrome, nondeletion type, X-linked; XLMR hypotonic face syndrome; ALPHA-THALASSEMIA/MENTAL RETARDATION SYNDROME, X-LINKED; X-linked alpha-thalassemia-mental retardation syndrome. Identifiers: Orphanet 847, MedGen C1845055, MONDO:0010519, OMIM 301040.

gnomAD v4.1: 2 of 1,209,391 alleles (0.00017%); highest among the groups gnomAD compares: Non-Finnish European, 0.00022%; no homozygotes.

Submission:

Labcorp Genetics (formerly Invitae), Labcorp
Classification: Uncertain significance for Alpha thalassemia-X-linked intellectual disability syndrome. Last evaluated: 2022-12-02. Review status: criteria provided, single submitter. Criteria: Invitae Variant Classification Sherloc (09022015). Collection method: clinical testing. Allele origin: germline.
Comment: This sequence change replaces serine, which is neutral and polar, with phenylalanine, which is neutral and non-polar, at codon 850 of the ATRX protein (p.Ser850Phe). This variant is not present in population databases (gnomAD no frequency). This variant has not been reported in the literature in individuals affected with ATRX-related conditions. Advanced modeling of protein sequence and biophysical properties (such as structural, functional, and spatial information, amino acid conservation, physicochemical variation, residue mobility, and thermodynamic stability) performed at Invitae indicates that this missense variant is not expected to disrupt ATRX protein function. In summary, the available evidence is currently insufficient to determine the role of this variant in disease. Therefore, it has been classified as a Variant of Uncertain Significance.